The following is an entry in ClinVar:

NM_033656.4(BRWD1):c.12G>A (p.Pro4=)

Genes: BRWD1 (bromodomain and WD repeat domain containing 1; minus strand), LOC130066682 (ATAC-STARR-seq lymphoblastoid silent region 13324; plus strand). Cytogenetic location: 21q22.2.
Variant type: single nucleotide variant.
Coding change: c.12G>A on transcript NM_033656.4 (MANE Select); coding-DNA position 12, G replaced by A.
Protein change: p.Pro4=; no amino-acid change (proline 4 retained).
Molecular consequence: synonymous variant.
Genome position (GRCh38, 1-based): chr21:39,313,480, C>T on the plus strand (G>A on the coding strand, the complement: BRWD1 is on the minus strand). VCF-style: chr21-39313480-C-T. GRCh37 (hg19) VCF-style: chr21-40685406-C-T.
Other names: c.12G>A, p.Pro4= (NM_001007246.3, NM_018963.5).
Identifiers: ClinVar variation 5041044 (VCV005041044.1).

ClinVar aggregate classification (germline): Likely benign (1 of 4 stars; one submission).

gnomAD v4.1: 1,059 of 1,248,514 alleles (0.085%); highest among the groups gnomAD compares: Non-Finnish European, 0.1%; 3 homozygotes.

Submission:

CeGaT Center for Human Genetics Tuebingen
Classification: Likely benign. Last evaluated: 2026-09-01. Review status: criteria provided, single submitter. Criteria: CeGaT Center For Human Genetics Tuebingen Variant Classification Criteria Version 2. Collection method: clinical testing. Allele origin: germline. Affected: yes. Observed: 1 variant allele.
Comment: BRWD1: BP4, BP7